The following is an entry in ClinVar:

NM_014989.7(RIMS1):c.1746+5G>A

Gene: RIMS1 (regulating synaptic membrane exocytosis 1; plus strand). Cytogenetic location: 6q13.
Variant type: single nucleotide variant.
Coding change: c.1746+5G>A on transcript NM_014989.7 (MANE Select); 5 bases into the intron after coding-DNA position 1746, G replaced by A.
Molecular consequence: intron variant.
Genome position (GRCh38, 1-based): chr6:72,233,845, G>A. VCF-style: chr6-72233845-G-A. GRCh37 (hg19) VCF-style: chr6-72943548-G-A.
Other names: c.99+5G>A (NM_001350428.2, NM_001350459.2, NM_001350424.2 and 6 more transcripts); c.168+5G>A (NM_001350458.2, NM_001350433.2, NM_001350446.2 and 37 more transcripts); c.-76+5G>A (NM_001350469.2, NM_001168409.2, NM_001350466.2 and 6 more transcripts); c.123+5G>A (NM_001350470.2, NM_001168410.2, NM_001350473.2 and 2 more transcripts).
Identifiers: ClinVar variation 4762283 (VCV004762283.1).

ClinVar aggregate classification (germline): Uncertain significance (1 of 4 stars; one submission).

gnomAD v4.1: 4 of 1,567,706 alleles (0.00026%); highest among the groups gnomAD compares: Non-Finnish European, 0.00035%; no homozygotes.

Submission:

Labcorp Genetics (formerly Invitae), Labcorp
Classification: Uncertain significance. Last evaluated: 2025-06-03. Review status: criteria provided, single submitter. Criteria: Invitae Variant Classification Sherloc (09022015). Collection method: clinical testing. Allele origin: germline.
Comment: This sequence change falls in intron 7 of the RIMS1 gene. It does not directly change the encoded amino acid sequence of the RIMS1 protein. It affects a nucleotide within the consensus splice site. This variant is not present in population databases (gnomAD no frequency). This variant has not been reported in the literature in individuals affected with RIMS1-related conditions. Variants that disrupt the consensus splice site are a relatively common cause of aberrant splicing (PMID: 17576681, 9536098). Algorithms developed to predict the effect of sequence changes on RNA splicing suggest that this variant is not likely to affect RNA splicing. In summary, the available evidence is currently insufficient to determine the role of this variant in disease. Therefore, it has been classified as a Variant of Uncertain Significance.

Literature cited by the submitters: PubMed 17576681; PubMed 9536098.